The following is an entry in ClinVar:

ClinVar aggregate classification (germline): Pathogenic (1 of 4 stars; one submission).

Submission:

Labcorp Genetics (formerly Invitae), Labcorp
Classification: Pathogenic. Last evaluated: 2023-09-11. Review status: criteria provided, single submitter. Criteria: Invitae Variant Classification Sherloc (09022015). Collection method: clinical testing. Allele origin: germline.
Comment: For these reasons, this variant has been classified as Pathogenic. This premature translational stop signal has been observed in individual(s) with retinitis pigmentosa (PMID: 21792230). This variant is not present in population databases (gnomAD no frequency). This sequence change creates a premature translational stop signal (p.Leu777Asnfs*28) in the PCARE gene. It is expected to result in an absent or disrupted protein product. Loss-of-function variants in PCARE are known to be pathogenic (PMID: 20398886, 24339724, 26496393).

Literature cited by the submitters: PubMed 21792230; PubMed 20398886; PubMed 24339724; PubMed 26496393.

NM_001029883.3(PCARE):c.2328_2344del (p.Leu777fs)

Gene: PCARE (photoreceptor cilium actin regulator; minus strand). Cytogenetic location: 2p23.2.
Variant type: Deletion.
Coding change: c.2328_2344del on transcript NM_001029883.3 (MANE Select); coding-DNA positions 2328 to 2344, 17 bases deleted (TTTGTATCCGAAGCCCC).
Protein change: p.Leu777fs; shifts the reading frame from leucine 777.
Molecular consequence: frameshift variant.
Genome position (GRCh38, 1-based): chr2:29,071,918-29,071,934, GGGGCTTCGGATACAAA deleted on the plus strand (TTTGTATCCGAAGCCCC on the coding strand, the reverse complement: PCARE is on the minus strand); deleting any 17 consecutive bases within chr2:29,071,918-29,071,939 gives the same sequence; the c. name uses the placement nearest the transcript's 3' end. VCF-style (leftmost placement, unchanged base first): chr2-29071917-TGGGGCTTCGGATACAAA-T. GRCh37 (hg19) VCF-style: chr2-29294783-TGGGGCTTCGGATACAAA-T.
Other names: short protein forms L777fs.
Identifiers: ClinVar variation 2734140 (VCV002734140.3), dbSNP rs1182199373, ClinGen allele CA767530695.
Genomic context (GRCh38, chr2:29,071,917, plus strand): 5'-GCTAAGGGCTTCCAGCCTATGCCCATTTTGAGAGATTCTCTGCCTGATGCTGGAGAAATT[TGGGGCTTCGGATACAAA>T]GGGGCAAGCCCTGTGTACTTGGGAAATCTGGGGGGCATGATGCAATTCCTGAGGCAGGGA-3'